The following is an entry in ClinVar:

ClinVar aggregate classification (germline): Uncertain significance (1 of 4 stars; one submission).

Submission:

GeneDx
Classification: Uncertain significance. Last evaluated: 2025-08-12. Review status: criteria provided, single submitter. Criteria: GeneDx Variant Classification Process June 2021. Collection method: clinical testing. Allele origin: germline. Affected: yes.
Comment: Not observed at significant frequency in large population cohorts (gnomAD); In silico analysis supports that this missense variant has a deleterious effect on protein structure/function; Has not been previously published as pathogenic or benign to our knowledge

NM_001003699.4(RREB1):c.358T>C (p.Ser120Pro)

Gene: RREB1 (ras responsive element binding protein 1; plus strand). Cytogenetic location: 6p24.3.
Variant type: single nucleotide variant.
Coding change: c.358T>C on transcript NM_001003699.4 (MANE Select); coding-DNA position 358, T replaced by C.
Protein change: p.Ser120Pro; replaces serine 120 with proline.
Molecular consequence: missense variant.
Genome position (GRCh38, 1-based): chr6:7,189,255, T>C. VCF-style: chr6-7189255-T-C. GRCh37 (hg19) VCF-style: chr6-7189488-T-C.
Other names: c.358T>C, p.Ser120Pro (NM_001003698.4, NM_001003700.2, NM_001168344.2); short protein forms S120P.
Identifiers: ClinVar variation 4795552 (VCV004795552.1).
Genomic context (GRCh38, chr6:7,189,255, plus strand): 5'-AGCATCTGCGGAAAGTCACTGAGCTCGGCCAGCTCCCTCGATCGCCACATGCTGGTGCAC[T>C]CTGGCGAGAGGCCTTACAAGTGCACTGTGTGTGGCCAGTCATTTACCACCAATGGGAACA-3'
Protein context (NP_001003699.1, residues 110-130): SSLDRHMLVH[Ser120Pro]GERPYKCTVC